The following is an entry in ClinVar:

ClinVar aggregate classification (germline): Uncertain significance. Review status: criteria provided, multiple submitters, no conflicts (2 of 4 stars). 2 submissions from 2 submitters: Uncertain significance (2). Last evaluated 2025-09-04.

gnomAD v4.1: 49 of 1,613,776 alleles (0.003%); highest among the groups gnomAD compares: South Asian, 0.024%; no homozygotes.

Submissions (2):

Ambry Genetics
Classification: Uncertain significance. Last evaluated: 2025-09-04. Review status: criteria provided, single submitter. Criteria: Ambry Variant Classification Scheme 2023. Collection method: clinical testing. Allele origin: germline.

Labcorp Genetics (formerly Invitae), Labcorp
Classification: Uncertain significance. Last evaluated: 2024-12-31. Review status: criteria provided, single submitter. Criteria: Invitae Variant Classification Sherloc (09022015). Collection method: clinical testing. Allele origin: germline.
Comment: This sequence change replaces alanine, which is neutral and non-polar, with valine, which is neutral and non-polar, at codon 464 of the FAM65B protein (p.Ala464Val). This variant is present in population databases (rs769729406, gnomAD 0.03%). This variant has not been reported in the literature in individuals affected with FAM65B-related conditions. An algorithm developed to predict the effect of missense changes on protein structure and function (PolyPhen-2) suggests that this variant is likely to be tolerated. In summary, the available evidence is currently insufficient to determine the role of this variant in disease. Therefore, it has been classified as a Variant of Uncertain Significance.

NM_001286445.3(RIPOR2):c.1328C>T (p.Ala443Val)

Gene: RIPOR2 (RHO family interacting cell polarization regulator 2; minus strand). Cytogenetic location: 6p22.3.
Variant type: single nucleotide variant.
Coding change: c.1328C>T on transcript NM_001286445.3 (MANE Select); coding-DNA position 1328, C replaced by T.
Protein change: p.Ala443Val; replaces alanine 443 with valine.
Molecular consequence: missense variant.
Genome position (GRCh38, 1-based): chr6:24,843,391, G>A on the plus strand (C>T on the coding strand, the complement: RIPOR2 is on the minus strand). VCF-style: chr6-24843391-G-A. GRCh37 (hg19) VCF-style: chr6-24843619-G-A.
Other names: c.1343C>T, p.Ala448Val (NM_001286446.3); c.1241C>T, p.Ala414Val (NM_001286447.2, NM_001346031.2, NM_001346032.2 and 1 more transcripts); c.1391C>T, p.Ala464Val (NM_014722.5); c.1391C>T (NM_014722.2); short protein forms A448V, A414V, A443V, A464V.
Identifiers: ClinVar variation 3711248 (VCV003711248.3).